The following is an entry in ClinVar:

NM_000059.4(BRCA2):c.2705_2713delinsT (p.Ala902fs)

Gene: BRCA2 (BRCA2 DNA repair associated; plus strand). Cytogenetic location: 13q13.1.
Variant type: Indel.
Coding change: c.2705_2713delinsT on transcript NM_000059.4 (MANE Select); coding-DNA positions 2705 to 2713, CTTTAGGAA replaced by T.
Protein change: p.Ala902fs; shifts the reading frame from alanine 902.
Molecular consequence: frameshift variant. On other transcripts: non-coding transcript variant (1), intron variant (2).
Genome position (GRCh38, 1-based): chr13:32,337,060-32,337,068, CTTTAGGAA replaced by T. VCF-style: chr13-32337060-CTTTAGGAA-T. GRCh37 (hg19) VCF-style: chr13-32911197-CTTTAGGAA-T.
Other names: c.2705_2713delinsT, p.Ala902fs (NM_001406719.1, NM_001406720.1, NM_001432077.1); c.1909+3673_1909+3681delinsT (NM_001406721.1); c.424+6030_424+6038delinsT (NM_001406722.1); short protein forms A902fs.
Identifiers: ClinVar variation 4215915 (VCV004215915.1).

ClinVar aggregate classification (germline): Pathogenic (1 of 4 stars; one submission).

Conditions:
Hereditary cancer-predisposing syndrome. Also called: Hereditary Cancer Syndrome; Hereditary neoplastic syndrome; Neoplastic Syndromes, Hereditary; Tumor predisposition. Identifiers: Orphanet 140162, MedGen C0027672, MeSH D009386, MONDO:0015356.

Submission:

Ambry Genetics
Classification: Pathogenic for Hereditary cancer-predisposing syndrome. Last evaluated: 2025-09-02. Review status: criteria provided, single submitter. Criteria: Ambry Variant Classification Scheme 2023. Collection method: clinical testing. Allele origin: germline.
Comment: The c.2705_2713delCTTTAGGAAinsT pathogenic mutation, located in coding exon 10 of the BRCA2 gene, results from the deletion of 9 nucleotides and insertion of one nucleotide causing a translational frameshift with a predicted alternate stop codon (p.A902Vfs*3). This variant is considered to be rare based on population cohorts in the Genome Aggregation Database (gnomAD). This alteration is expected to result in loss of function by premature protein truncation or nonsense-mediated mRNA decay. As such, this alteration is interpreted as a disease-causing mutation.